The following is an entry in ClinVar:

NM_000465.4(BARD1):c.512_513del (p.Lys171fs)

Gene: BARD1 (BRCA1 associated RING domain 1; minus strand). Cytogenetic location: 2q35.
Variant type: Deletion.
Coding change: c.512_513del on transcript NM_000465.4 (MANE Select); coding-DNA positions 512 to 513, 2 bases deleted (AA; older notation c.512_513delAA).
Protein change: p.Lys171fs; shifts the reading frame from lysine 171.
Molecular consequence: frameshift variant. On other transcripts: non-coding transcript variant (2), intron variant (3).
Genome position (GRCh38, 1-based): chr2:214,781,361-214,781,362, TT deleted on the plus strand (AA on the coding strand, the reverse complement: BARD1 is on the minus strand); deleting any 2 consecutive bases within chr2:214,781,361-214,781,367 gives the same sequence; the c. name uses the placement nearest the transcript's 3' end. VCF-style (leftmost placement, unchanged base first): chr2-214781360-CTT-C. GRCh37 (hg19) VCF-style: chr2-215646084-CTT-C.
Other names: c.455_456del, p.Lys152fs (NM_001282543.2); c.158+28050_158+28051del (NM_001282548.2); c.215+15699_215+15700del (NM_001282545.2); c.364+10935_364+10936del (NM_001282549.2); short protein forms K152fs, K171fs.
Identifiers: ClinVar variation 1992716 (VCV001992716.6), dbSNP rs746325928, ClinGen allele CA2580065698.

ClinVar aggregate classification (germline): Pathogenic. Review status: criteria provided, multiple submitters, no conflicts (2 of 4 stars). 2 submissions from 2 submitters: Pathogenic (2). Last evaluated 2023-05-19.

Conditions:
Familial cancer of breast. Also called: hereditary breast carcinoma; Hereditary breast cancer; BREAST CANCER, FAMILIAL. Identifiers: Orphanet 227535, MedGen C0346153, MONDO:0016419, OMIM 114480. Disease mechanism: loss of function.

Submissions (2):

Myriad Genetics, Inc.
Classification: Pathogenic for Familial cancer of breast. Last evaluated: 2023-05-19. Review status: criteria provided, single submitter. Criteria: Myriad Autosomal Dominant, Autosomal Recessive and X-Linked Classification Criteria (2023). Collection method: clinical testing. Allele origin: unknown.
Comment: This variant is considered pathogenic. This variant creates a frameshift predicted to result in premature protein truncation.

Labcorp Genetics (formerly Invitae), Labcorp
Classification: Pathogenic for Familial cancer of breast. Last evaluated: 2022-05-10. Review status: criteria provided, single submitter. Criteria: Invitae Variant Classification Sherloc (09022015). Collection method: clinical testing. Allele origin: germline.
Comment: This sequence change creates a premature translational stop signal (p.Lys171Argfs*10) in the BARD1 gene. It is expected to result in an absent or disrupted protein product. Loss-of-function variants in BARD1 are known to be pathogenic (PMID: 20077502, 21344236). For these reasons, this variant has been classified as Pathogenic. This variant has not been reported in the literature in individuals affected with BARD1-related conditions. This variant is not present in population databases (gnomAD no frequency).

Literature cited by the submitters: PubMed 20077502 (cited by Labcorp Genetics (formerly Invitae), Labcorp); PubMed 21344236 (cited by Labcorp Genetics (formerly Invitae), Labcorp).